The following is an entry in ClinVar:

ClinVar aggregate classification (germline): Uncertain significance (1 of 4 stars; one submission).

Conditions:
Developmental and epileptic encephalopathy 94 (DEE94). Also called: CHD2-Related Neurodevelopmental Disorders; Epileptic encephalopathy, childhood-onset. Identifiers: Orphanet 1942, Orphanet 2382, MedGen C3809278, MONDO:0014150, OMIM 615369.

Submission:

Labcorp Genetics (formerly Invitae), Labcorp
Classification: Uncertain significance for Developmental and epileptic encephalopathy 94. Last evaluated: 2025-02-06. Review status: criteria provided, single submitter. Criteria: Invitae Variant Classification Sherloc (09022015). Collection method: clinical testing. Allele origin: germline.
Comment: This sequence change replaces leucine, which is neutral and non-polar, with valine, which is neutral and non-polar, at codon 461 of the CHD2 protein (p.Leu461Val). This variant is not present in population databases (gnomAD no frequency). This variant has not been reported in the literature in individuals affected with CHD2-related conditions. Invitae Evidence Modeling of protein sequence and biophysical properties (such as structural, functional, and spatial information, amino acid conservation, physicochemical variation, residue mobility, and thermodynamic stability) indicates that this missense variant is not expected to disrupt CHD2 protein function with a negative predictive value of 95%. In summary, the available evidence is currently insufficient to determine the role of this variant in disease. Therefore, it has been classified as a Variant of Uncertain Significance.

NM_001271.4(CHD2):c.1381C>G (p.Leu461Val)

Gene: CHD2 (chromodomain helicase DNA binding protein 2; plus strand). Cytogenetic location: 15q26.1.
Variant type: single nucleotide variant.
Coding change: c.1381C>G on transcript NM_001271.4 (MANE Select); coding-DNA position 1381, C replaced by G.
Protein change: p.Leu461Val; replaces leucine 461 with valine.
Molecular consequence: missense variant.
Genome position (GRCh38, 1-based): chr15:92,948,955, C>G. VCF-style: chr15-92948955-C-G. GRCh37 (hg19) VCF-style: chr15-93492185-C-G.
Other names: c.1381C>G, p.Leu461Val (NM_001042572.3); short protein forms L461V.
Identifiers: ClinVar variation 3687807 (VCV003687807.2).